The following is an entry in ClinVar:

ClinVar aggregate classification (germline): Benign. Review status: criteria provided, multiple submitters, no conflicts (2 of 4 stars). 3 submissions from 3 submitters: Benign (3). Last evaluated 2026-02-03.

Conditions:
Familial encephalopathy with neuroserpin inclusion bodies. Also called: ENCEPHALOPATHY, FAMILIAL, WITH COLLINS BODIES. Identifiers: Orphanet 85110, MedGen C1858680, MONDO:0011412, OMIM 604218.

Allele frequency attached by ClinVar (database versions not stated): gnomAD exomes 0.00063 and 0.00156; ExAC 0.00177; 1000 Genomes Project 0.00519; 1000 Genomes Project 30x 0.00531; gnomAD 0.00608 and 0.00659; TOPMed 0.00705; ESP Exome Variant Server 0.00715.
gnomAD v4.1: 1,873 of 1,613,940 alleles (0.12%); highest among the groups gnomAD compares: African/African-American, 2.2%; 16 homozygotes.

Submissions (3):

Labcorp Genetics (formerly Invitae), Labcorp
Classification: Benign for Familial encephalopathy with neuroserpin inclusion bodies. Last evaluated: 2026-02-03. Review status: criteria provided, single submitter. Criteria: Invitae Variant Classification Sherloc (09022015). Collection method: clinical testing. Allele origin: germline.

ARUP Laboratories, Molecular Genetics and Genomics, ARUP Laboratories
Classification: Benign for Familial encephalopathy with neuroserpin inclusion bodies. Last evaluated: 2025-01-22. Review status: criteria provided, single submitter. Criteria: ARUP Molecular Germline Variant Investigation Process 2024. Collection method: clinical testing. Allele origin: germline.

Illumina Laboratory Services, Illumina
Classification: Benign for Familial encephalopathy with neuroserpin inclusion bodies. Last evaluated: 2018-01-12. Review status: criteria provided, single submitter. Criteria: ICSL Variant Classification Criteria 13 December 2019. Collection method: clinical testing. Allele origin: germline.
Comment: This variant was observed in the ICSL laboratory as part of a predisposition screen in an ostensibly healthy population. It had not been previously curated by ICSL or reported in the Human Gene Mutation Database (HGMD: prior to June 1st, 2018), and was therefore a candidate for classification through an automated scoring system. Utilizing variant allele frequency, disease prevalence and penetrance estimates, and inheritance mode, an automated score was calculated to assess if this variant is too frequent to cause the disease. Based on the score and internal cut-off values, a variant classified as benign is not then subjected to further curation. The score for this variant resulted in a classification of benign for this disease.

NM_001122752.2(SERPINI1):c.250+13A>G

Gene: SERPINI1 (serpin family I member 1; plus strand). Cytogenetic location: 3q26.1.
Variant type: single nucleotide variant.
Coding change: c.250+13A>G on transcript NM_001122752.2 (MANE Select); 13 bases into the intron after coding-DNA position 250, A replaced by G.
Molecular consequence: intron variant.
Genome position (GRCh38, 1-based): chr3:167,789,391, A>G. VCF-style: chr3-167789391-A-G. GRCh37 (hg19) VCF-style: chr3-167507179-A-G.
Other names: c.250+13A>G (NM_005025.5).
Identifiers: ClinVar variation 903552 (VCV000903552.13), dbSNP rs77880879, ClinGen allele CA2694755.